The following is an entry in ClinVar:

NM_021922.3(FANCE):c.879_880insT (p.Leu294fs)

Gene: FANCE (FA complementation group E; plus strand). Cytogenetic location: 6p21.31.
Variant type: Insertion.
Coding change: c.879_880insT on transcript NM_021922.3 (MANE Select); coding-DNA positions 879 to 880, T inserted.
Protein change: p.Leu294fs; shifts the reading frame from leucine 294.
Molecular consequence: frameshift variant.
Genome position: GRCh38 VCF-style: chr6-35457579-G-GT. GRCh37 (hg19) VCF-style: chr6-35425356-G-GT.
Other names: c.879_880insT, p.Leu294fs (NM_001410876.1); short protein forms L294fs.
Identifiers: ClinVar variation 3004167 (VCV003004167.3), dbSNP rs2533667324, ClinGen allele CA2740091320.
Genomic context (GRCh38, chr6:35,457,579, plus strand): 5'-GGGAGGGACGTAGCAGTGACTGGGCTCTCCTCCACAGGACCAGCTTCCCAGGCTGCAGCA[G>GT]CTGCTGAAGACCTTGGAGGAGGTGACTGGCCCCACAGTGCTCACCATAGCCTTTCTTCCA-3'

ClinVar aggregate classification (germline): Pathogenic (1 of 4 stars; one submission).

Conditions:
Fanconi anemia complementation group E (FANCE). Also called: FANCE-Related Fanconi Anemia. Identifiers: Orphanet 84, MedGen C3160739, MONDO:0010953, OMIM 600901.

Submission:

Labcorp Genetics (formerly Invitae), Labcorp
Classification: Pathogenic for Fanconi anemia complementation group E. Last evaluated: 2023-11-20. Review status: criteria provided, single submitter. Criteria: Invitae Variant Classification Sherloc (09022015). Collection method: clinical testing. Allele origin: germline.
Comment: This sequence change creates a premature translational stop signal (p.Leu294Serfs*19) in the FANCE gene. It is expected to result in an absent or disrupted protein product. Loss-of-function variants in FANCE are known to be pathogenic (PMID: 11001585, 17924555). This variant is not present in population databases (gnomAD no frequency). This variant has not been reported in the literature in individuals affected with FANCE-related conditions. For these reasons, this variant has been classified as Pathogenic.

Literature cited by the submitters: PubMed 11001585; PubMed 17924555.